The following is an entry in ClinVar:

NM_001377265.1(MAPT):c.*26T>C

Gene: MAPT (microtubule associated protein tau). Cytogenetic location: 17q21.31.
Variant type: single nucleotide variant.
Coding change: c.*26T>C on transcript NM_001377265.1 (MANE Select); 26 bases downstream of the stop codon, T replaced by C.
Molecular consequence: 3 prime UTR variant. On other transcripts: non-coding transcript variant (1), intron variant (1).
Genome position (GRCh38, 1-based): chr17:46,024,197, T>C. VCF-style: chr17-46024197-T-C. GRCh37 (hg19) VCF-style: chr17-44101563-T-C.
Other names: c.*26T>C (NM_001123066.4, NM_001123067.4, NM_001203251.2 and 7 more transcripts); c.772-920T>C (NM_001377267.1).
Identifiers: ClinVar variation 323650 (VCV000323650.9), dbSNP rs9468, ClinGen allele CA8618295.
Genomic context (GRCh38, chr17:46,024,197, plus strand): 5'-AGGTGTCTGCCTCCCTGGCCAAGCAGGGTTTGTGATCAGGCCCCTGGGGCGGTCAATAAT[T>C]GTGGAGAGGAGAGAATGAGAGAGTGTGGAAAAAAAAAGAATAATGACCCGGCCCCCGCCC-3'

ClinVar aggregate classification (germline): Benign. Review status: criteria provided, multiple submitters, no conflicts (2 of 4 stars). 3 submissions from 3 submitters: Benign (3). Last evaluated 2018-08-11.

Conditions:
MAPT-Related Spectrum Disorders.

Allele frequency attached by ClinVar (database versions not stated): 1000 Genomes Project 30x 0.08495; 1000 Genomes Project 0.08586; gnomAD 0.14262 and 0.14547; gnomAD exomes 0.14638; ExAC 0.14652; TOPMed 0.14742; ESP Exome Variant Server 0.16292.
gnomAD v4.1: 302,996 of 1,596,984 alleles (19%); highest among the groups gnomAD compares: Non-Finnish European, 22%; 32,639 homozygotes.

Submissions (3):

GeneDx
Classification: Benign. Last evaluated: 2018-08-11. Review status: criteria provided, single submitter. Criteria: GeneDx Variant Classification Process June 2021. Collection method: clinical testing. Allele origin: germline. Affected: yes.

Illumina Laboratory Services, Illumina
Classification: Benign for MAPT-Related Spectrum Disorders. Last evaluated: 2018-01-13. Review status: criteria provided, single submitter. Criteria: ICSL Variant Classification Criteria 13 December 2019. Collection method: clinical testing. Allele origin: germline.
Comment: This variant was observed in the ICSL laboratory as part of a predisposition screen in an ostensibly healthy population. It had not been previously curated by ICSL or reported in the Human Gene Mutation Database (HGMD: prior to June 1st, 2018), and was therefore a candidate for classification through an automated scoring system. Utilizing variant allele frequency, disease prevalence and penetrance estimates, and inheritance mode, an automated score was calculated to assess if this variant is too frequent to cause the disease. Based on the score and internal cut-off values, a variant classified as benign is not then subjected to further curation. The score for this variant resulted in a classification of benign for this disease.

Breakthrough Genomics
Classification: Benign. Review status: criteria provided, single submitter. Criteria: ACMG Guidelines, 2015. Collection method: not provided. Allele origin: germline. Inheritance: Autosomal recessive inheritance. Affected: yes.